The following is an entry in ClinVar:

NM_000038.6(APC):c.7686C>T (p.Ser2562=)

Gene: APC (APC regulator of Wnt signaling pathway; plus strand). Cytogenetic location: 5q22.2.
Variant type: single nucleotide variant.
Coding change: c.7686C>T on transcript NM_000038.6 (MANE Select); coding-DNA position 7686, C replaced by T.
Protein change: p.Ser2562=; no amino-acid change (serine 2562 retained).
Molecular consequence: synonymous variant.
Genome position (GRCh38, 1-based): chr5:112,843,280, C>T. VCF-style: chr5-112843280-C-T. GRCh37 (hg19) VCF-style: chr5-112178977-C-T.
Other names: c.7686C>T, p.Ser2562= (NM_001127510.3, NM_001354895.2); c.7632C>T, p.Ser2544= (NM_001127511.3); c.7740C>T, p.Ser2580= (NM_001354896.2); c.7716C>T, p.Ser2572= (NM_001354897.2); c.7611C>T, p.Ser2537= (NM_001354898.2); c.7602C>T, p.Ser2534= (NM_001354899.2); c.7563C>T, p.Ser2521= (NM_001354900.2); c.7509C>T, p.Ser2503= (NM_001354901.2); and 5 more.
Identifiers: ClinVar variation 794650 (VCV000794650.16), dbSNP rs1580685620, ClinGen allele CA446211136.
Genomic context (GRCh38, chr5:112,843,280, plus strand): 5'-TAGGTCAGGAACCTGGAAACGTGAGCACAGCAAACATTCATCATCCCTTCCTCGAGTAAG[C>T]ACTTGGAGAAGAACTGGAAGTTCATCTTCAATTCTTTCTGCTTCATCAGAATCCAGTGAA-3'
Protein context (NP_000029.2, residues 2552-2572): SKHSSSLPRV[Ser2562=]TWRRTGSSSS

ClinVar aggregate classification (germline): Benign/Likely benign. Review status: criteria provided, multiple submitters, no conflicts (2 of 4 stars). 4 submissions from 4 submitters: Benign (1); Likely benign (3). Last evaluated 2025-01-23.

Conditions:
Hereditary cancer-predisposing syndrome. Also called: Neoplastic Syndromes, Hereditary; Hereditary neoplastic syndrome; Tumor predisposition; Hereditary Cancer Syndrome. Identifiers: Orphanet 140162, MedGen C0027672, MeSH D009386, MONDO:0015356.
Familial adenomatous polyposis 1 (FAP1). Also called: POLYPOSIS, ADENOMATOUS INTESTINAL; FAMILIAL ADENOMATOUS POLYPOSIS 1, ATTENUATED. Identifiers: MedGen C2713442, MONDO:0021056, OMIM 175100. Disease mechanism: loss of function.

Submissions (4):

Labcorp Genetics (formerly Invitae), Labcorp
Classification: Likely benign for Familial adenomatous polyposis 1. Last evaluated: 2025-01-23. Review status: criteria provided, single submitter. Criteria: Invitae Variant Classification Sherloc (09022015). Collection method: clinical testing. Allele origin: germline.

Myriad Genetics, Inc.
Classification: Benign for Familial adenomatous polyposis 1. Last evaluated: 2024-04-10. Review status: criteria provided, single submitter. Criteria: Myriad Autosomal Dominant, Autosomal Recessive and X-Linked Classification Criteria (2023). Collection method: clinical testing. Allele origin: unknown.
Comment: This variant is considered benign. This variant is a silent/synonymous amino acid change and it is not expected to impact splicing.

Color Diagnostics, LLC DBA Color Health
Classification: Likely benign for Hereditary cancer-predisposing syndrome. Last evaluated: 2022-03-31. Review status: criteria provided, single submitter. Criteria: ACMG Guidelines, 2015. Collection method: clinical testing. Allele origin: germline.

Ambry Genetics
Classification: Likely benign for Hereditary cancer-predisposing syndrome. Last evaluated: 2021-04-13. Review status: criteria provided, single submitter. Criteria: Ambry Variant Classification Scheme 2023. Collection method: clinical testing. Allele origin: germline.